The following is an entry in ClinVar:

NM_025074.7(FRAS1):c.2062G>A (p.Val688Met)

Gene: FRAS1 (Fraser extracellular matrix complex subunit 1; plus strand). Cytogenetic location: 4q21.21.
Variant type: single nucleotide variant.
Coding change: c.2062G>A on transcript NM_025074.7 (MANE Select); coding-DNA position 2062, G replaced by A.
Protein change: p.Val688Met; replaces valine 688 with methionine.
Molecular consequence: missense variant.
Genome position (GRCh38, 1-based): chr4:78,318,911, G>A. VCF-style: chr4-78318911-G-A. GRCh37 (hg19) VCF-style: chr4-79240065-G-A.
Other names: c.2062G>A, p.Val688Met (NM_001166133.2); short protein forms V688M.
Identifiers: ClinVar variation 3352745 (VCV003352745.2).
Genomic context (GRCh38, chr4:78,318,911, plus strand): 5'-TCTCACTGTACTGGGTGTAAGAAGCCAGAGGAAGGACTGCAAGTGGAGCAGCTGTCTGAC[G>A]TGGGCATCCCCTCTGGCGAGTGTCTAGCCCAGTGTAGAGCCCATTTTTACTTGGAGAGCA-3'
Protein context (NP_079350.5, residues 678-698): EGLQVEQLSD[Val688Met]GIPSGECLAQ

ClinVar aggregate classification (germline): Uncertain significance. Review status: criteria provided, single submitter (1 of 4 stars). 2 submissions from 2 submitters: Uncertain significance (1). 1 of the submissions does not count toward it. Last evaluated 2024-05-16.

Conditions:
FRAS1-related disorder. Also called: FRAS1-related condition.
Fraser syndrome 1 (FRASRS1). Also called: CRYPTOPHTHALMOS WITH OTHER MALFORMATIONS. Identifiers: Orphanet 2052, MedGen C4551480, MONDO:0054737, OMIM 219000.

gnomAD v4.1: 79 of 1,614,020 alleles (0.0049%); highest among the groups gnomAD compares: African/African-American, 0.011%; no homozygotes.

Submissions (2):

Fulgent Genetics
Classification: Uncertain significance for Fraser syndrome 1. Last evaluated: 2024-05-16. Review status: criteria provided, single submitter. Criteria: ACMG Guidelines, 2015. Collection method: clinical testing. Allele origin: germline.

PreventionGenetics, part of Exact Sciences
Classification: Uncertain significance for FRAS1-related condition. Last evaluated: 2024-07-26. Review status: no assertion criteria provided. Collection method: clinical testing. Allele origin: germline. Not counted in ClinVar's aggregate classification.
Comment: The FRAS1 c.2062G>A variant is predicted to result in the amino acid substitution p.Val688Met. To our knowledge, this variant has not been reported in the literature. This variant is reported in 0.010% of alleles in individuals of East Asian descent in gnomAD. At this time, the clinical significance of this variant is uncertain due to the absence of conclusive functional and genetic evidence.